The following is an entry in ClinVar:

ClinVar aggregate classification (germline): Uncertain significance. Review status: criteria provided, multiple submitters, no conflicts (2 of 4 stars). 3 submissions from 3 submitters: Uncertain significance (3). Last evaluated 2025-06-15.

Conditions:
Haddad syndrome (OHD). Also called: Ondine-Hirschsprung disease. Identifiers: Orphanet 99803, MedGen C1859049, MONDO:0020493.
Neuroblastoma, susceptibility to, 2. Identifiers: Orphanet 635, MedGen C2751682, MONDO:0700041, OMIM 613013.
Hereditary cancer-predisposing syndrome. Also called: Neoplastic Syndromes, Hereditary; Tumor predisposition; Hereditary Cancer Syndrome; Hereditary neoplastic syndrome. Identifiers: Orphanet 140162, MedGen C0027672, MeSH D009386, MONDO:0015356.

Submissions (3):

Ambry Genetics
Classification: Uncertain significance for Hereditary cancer-predisposing syndrome. Last evaluated: 2025-06-15. Review status: criteria provided, single submitter. Criteria: Ambry Variant Classification Scheme 2023. Collection method: clinical testing. Allele origin: germline.
Comment: The p.Q74H variant (also known as c.222G>T), located in coding exon 1 of the PHOX2B gene, results from a G to T substitution at nucleotide position 222. The glutamine at codon 74 is replaced by histidine, an amino acid with highly similar properties. This amino acid position is highly conserved in available vertebrate species. In addition, the in silico prediction for this alteration is inconclusive. Since supporting evidence is limited at this time, the clinical significance of this alteration remains unclear.

Labcorp Genetics (formerly Invitae), Labcorp
Classification: Uncertain significance for Haddad syndrome. Last evaluated: 2024-07-30. Review status: criteria provided, single submitter. Criteria: Invitae Variant Classification Sherloc (09022015). Collection method: clinical testing. Allele origin: germline.
Comment: This sequence change replaces glutamine, which is neutral and polar, with histidine, which is basic and polar, at codon 74 of the PHOX2B protein (p.Gln74His). This variant is not present in population databases (gnomAD no frequency). This variant has not been reported in the literature in individuals affected with PHOX2B-related conditions. ClinVar contains an entry for this variant (Variation ID: 820907). Advanced modeling of protein sequence and biophysical properties (such as structural, functional, and spatial information, amino acid conservation, physicochemical variation, residue mobility, and thermodynamic stability) performed at Invitae indicates that this missense variant is not expected to disrupt PHOX2B protein function with a negative predictive value of 80%. In summary, the available evidence is currently insufficient to determine the role of this variant in disease. Therefore, it has been classified as a Variant of Uncertain Significance.

Baylor Genetics
Classification: Uncertain significance for Neuroblastoma, susceptibility to, 2. Last evaluated: 2023-11-22. Review status: criteria provided, single submitter. Criteria: ACMG Guidelines, 2015. Collection method: clinical testing. Allele origin: unknown.

NM_003924.4(PHOX2B):c.222G>T (p.Gln74His)

Genes: PHOX2B-AS1 (PHOX2B antisense RNA 1; plus strand), PHOX2B (paired like homeobox 2B; minus strand). Cytogenetic location: 4p13.
Variant type: single nucleotide variant.
Coding change: c.222G>T on transcript NM_003924.4 (MANE Select); coding-DNA position 222, G replaced by T.
Protein change: p.Gln74His; replaces glutamine 74 with histidine.
Molecular consequence: missense variant.
Genome position (GRCh38, 1-based): chr4:41,748,389, C>A on the plus strand (G>T on the coding strand, the complement: PHOX2B is on the minus strand). VCF-style: chr4-41748389-C-A. GRCh37 (hg19) VCF-style: chr4-41750406-C-A.
Other names: short protein forms Q74H.
Identifiers: ClinVar variation 820907 (VCV000820907.10), dbSNP rs1577561176, ClinGen allele CA356740816.
Genomic context (GRCh38, chr4:41,748,389, plus strand): 5'-GAAAGGCGGCTTCCTCCGCTGAGAAAGCTGAAGGTCCTTACCTGCGGCGTACGGACTGCT[C>A]TGGTGGTCCCTGAGGGTGCCCAGGCTGCAGGATCCCGGCGTGAGGGAAGGGCAGCCGGAC-3'
Protein context (NP_003915.2, residues 64-84): SCSLGTLRDH[Gln74His]SSPYAAVPYK